The following is an entry in ClinVar:

ClinVar aggregate classification (germline): Uncertain significance (1 of 4 stars; one submission).

Conditions:
Sphingolipid activator protein 1 deficiency. Also called: Saposin B Deficiency; Metachromatic leukodystrophy due to saposin B deficiency; METACHROMATIC LEUKODYSTROPHY DUE TO CEREBROSIDE SULFATASE ACTIVATOR DEFICIENCY. Identifiers: Orphanet 512, MedGen C0268262, MONDO:0009590, OMIM 249900.

Submission:

Labcorp Genetics (formerly Invitae), Labcorp
Classification: Uncertain significance for Sphingolipid activator protein 1 deficiency. Last evaluated: 2024-04-25. Review status: criteria provided, single submitter. Criteria: Invitae Variant Classification Sherloc (09022015). Collection method: clinical testing. Allele origin: germline.
Comment: This sequence change replaces aspartic acid, which is acidic and polar, with glutamic acid, which is acidic and polar, at codon 330 of the PSAP protein (p.Asp330Glu). This variant is not present in population databases (gnomAD no frequency). This variant has not been reported in the literature in individuals affected with PSAP-related conditions. Advanced modeling of protein sequence and biophysical properties (such as structural, functional, and spatial information, amino acid conservation, physicochemical variation, residue mobility, and thermodynamic stability) performed at Invitae indicates that this missense variant is not expected to disrupt PSAP protein function with a negative predictive value of 80%. In summary, the available evidence is currently insufficient to determine the role of this variant in disease. Therefore, it has been classified as a Variant of Uncertain Significance.

NM_002778.4(PSAP):c.990C>A (p.Asp330Glu)

Gene: PSAP (prosaposin; minus strand). Cytogenetic location: 10q22.1.
Variant type: single nucleotide variant.
Coding change: c.990C>A on transcript NM_002778.4 (MANE Select); coding-DNA position 990, C replaced by A.
Protein change: p.Asp330Glu; replaces aspartic acid 330 with glutamic acid.
Molecular consequence: missense variant.
Genome position (GRCh38, 1-based): chr10:71,820,255, G>T on the plus strand (C>A on the coding strand, the complement: PSAP is on the minus strand). VCF-style: chr10-71820255-G-T. GRCh37 (hg19) VCF-style: chr10-73580012-G-T.
Other names: c.999C>A, p.Asp333Glu (NM_001042465.3); c.996C>A, p.Asp332Glu (NM_001042466.3); short protein forms D330E, D332E, D333E.
Identifiers: ClinVar variation 3703834 (VCV003703834.2).